The following is an entry in ClinVar:

NM_003482.4(KMT2D):c.5249A>C (p.Glu1750Ala)

Gene: KMT2D (lysine methyltransferase 2D; minus strand). Cytogenetic location: 12q13.12.
Variant type: single nucleotide variant.
Coding change: c.5249A>C on transcript NM_003482.4 (MANE Select); coding-DNA position 5249, A replaced by C.
Protein change: p.Glu1750Ala; replaces glutamic acid 1750 with alanine.
Molecular consequence: missense variant.
Genome position (GRCh38, 1-based): chr12:49,043,938, T>G on the plus strand (A>C on the coding strand, the complement: KMT2D is on the minus strand). VCF-style: chr12-49043938-T-G. GRCh37 (hg19) VCF-style: chr12-49437721-T-G.
Other names: short protein forms E1750A.
Identifiers: ClinVar variation 1971634 (VCV001971634.11), dbSNP rs2498416513, ClinGen allele CA384635026.

ClinVar aggregate classification (germline): Uncertain significance. Review status: criteria provided, multiple submitters, no conflicts (2 of 4 stars). 2 submissions from 2 submitters: Uncertain significance (2). Last evaluated 2025-10-01.

Conditions:
Kabuki syndrome. Also called: NIIKAWA-KUROKI SYNDROME; Kabuki make-up syndrome. Identifiers: Orphanet 2322, MedGen C0796004, MONDO:0016512.

Allele frequency attached by ClinVar (database versions not stated): gnomAD exomes below 0.00001.
gnomAD v4.1: 2 of 1,614,056 alleles (0.00012%); highest among the groups gnomAD compares: Non-Finnish European, 0.00017%; no homozygotes.

Submissions (2):

CeGaT Center for Human Genetics Tuebingen
Classification: Uncertain significance. Last evaluated: 2025-10-01. Review status: criteria provided, single submitter. Criteria: CeGaT Center For Human Genetics Tuebingen Variant Classification Criteria Version 2. Collection method: clinical testing. Allele origin: germline. Affected: yes. Observed: 1 variant allele.

Labcorp Genetics (formerly Invitae), Labcorp
Classification: Uncertain significance for Kabuki syndrome. Last evaluated: 2022-09-13. Review status: criteria provided, single submitter. Criteria: Invitae Variant Classification Sherloc (09022015). Collection method: clinical testing. Allele origin: germline.
Comment: Advanced modeling of protein sequence and biophysical properties (such as structural, functional, and spatial information, amino acid conservation, physicochemical variation, residue mobility, and thermodynamic stability) performed at Invitae indicates that this missense variant is not expected to disrupt KMT2D protein function. In summary, the available evidence is currently insufficient to determine the role of this variant in disease. Therefore, it has been classified as a Variant of Uncertain Significance. This variant has not been reported in the literature in individuals affected with KMT2D-related conditions. This variant is not present in population databases (gnomAD no frequency). This sequence change replaces glutamic acid, which is acidic and polar, with alanine, which is neutral and non-polar, at codon 1750 of the KMT2D protein (p.Glu1750Ala).